The following is an entry in ClinVar:

ClinVar aggregate classification (germline): Uncertain significance (0 of 4 stars; one submission).

Submission:

Genetic Services Laboratory, University of Chicago
Classification: Uncertain significance. Last evaluated: 2022-05-23. Review status: no assertion criteria provided. Collection method: clinical testing. Allele origin: germline. Affected: no.
Comment: DNA sequence analysis of the ITK gene demonstrated a sequence change, c.1730T>G, in exon 16 that results in an amino acid change, p.Leu577Trp. This sequence change does not appear to have been previously described in individuals with ITK-related disorders and has also not been described in population databases such as ExAC and gnomAD. The p.Leu577Trp change affects a highly conserved amino acid residue located in a domain of the ITK protein that is known to be functional. The p.Leu577Trp substitution appears to be deleterious using several in-silico pathogenicity prediction tools (SIFT, PolyPhen2, Align GVGD, REVEL). Due to insufficient evidences and the lack of functional studies, the clinical significance of the p.Leu577Trp change remains unknown at this time.

NM_005546.4(ITK):c.1730T>G (p.Leu577Trp)

Gene: ITK (IL2 inducible T cell kinase; plus strand). Cytogenetic location: 5q33.3.
Variant type: single nucleotide variant.
Coding change: c.1730T>G on transcript NM_005546.4 (MANE Select); coding-DNA position 1730, T replaced by G.
Protein change: p.Leu577Trp; replaces leucine 577 with tryptophan.
Molecular consequence: missense variant.
Genome position (GRCh38, 1-based): chr5:157,248,946, T>G. VCF-style: chr5-157248946-T-G. GRCh37 (hg19) VCF-style: chr5-156675956-T-G.
Other names: short protein forms L577W.
Identifiers: ClinVar variation 2443153 (VCV002443153.2), dbSNP rs2532161402, ClinGen allele CA361963835.